The following is an entry in ClinVar:

ClinVar aggregate classification (germline): Uncertain significance (0 of 4 stars; one submission).

Conditions:
COL11A2-related disorder. Also called: COL11A2-related condition; COL11A2-related disorders.

Submission:

PreventionGenetics, part of Exact Sciences
Classification: Uncertain significance for COL11A2-related condition. Last evaluated: 2024-03-20. Review status: no assertion criteria provided. Collection method: clinical testing. Allele origin: germline.
Comment: The COL11A2 c.4384G>C variant is predicted to result in the amino acid substitution p.Gly1462Arg. To our knowledge, this variant has not been reported in the literature or in a large population database, indicating this variant is rare. The p.Gly1462 amino acid is located in the conserved Gly-Xaa-Yaa triple helical domain where substitutions of a glycine are usually pathogenic (Vuristo et al. 1995. PubMed ID: 7559422; Chen et al. 2005. PubMed ID: 16033917). Although we suspect that this variant may be pathogenic, at this time, the clinical significance of this variant is uncertain due to the absence of conclusive functional and genetic evidence.

NM_080680.3(COL11A2):c.4384G>C (p.Gly1462Arg)

Gene: COL11A2 (collagen type XI alpha 2 chain; minus strand). Cytogenetic location: 6p21.32.
Variant type: single nucleotide variant.
Coding change: c.4384G>C on transcript NM_080680.3 (MANE Select); coding-DNA position 4384, G replaced by C.
Protein change: p.Gly1462Arg; replaces glycine 1462 with arginine.
Molecular consequence: missense variant.
Genome position (GRCh38, 1-based): chr6:33,166,521, C>G on the plus strand (G>C on the coding strand, the complement: COL11A2 is on the minus strand). VCF-style: chr6-33166521-C-G. GRCh37 (hg19) VCF-style: chr6-33134298-C-G.
Other names: c.4204G>C, p.Gly1402Arg (NM_001424108.1); c.3538G>C, p.Gly1180Arg (NM_001424109.1); c.3358G>C, p.Gly1120Arg (NM_001424110.1, NM_001424111.1); c.2338G>C, p.Gly780Arg (NM_001424112.1); c.4063G>C, p.Gly1355Arg (NM_080679.3); c.4126G>C, p.Gly1376Arg (NM_080681.3); short protein forms G1120R, G1180R, G1355R, G1376R, G1402R, G1462R, G780R.
Identifiers: ClinVar variation 3350048 (VCV003350048.1).